The following is an entry in ClinVar:

ClinVar aggregate classification (germline): Uncertain significance (1 of 4 stars; one submission).

Conditions:
Congenital myasthenic syndrome 4A. Also called: CONGENITAL MYASTHENIC SYNDROME TYPE Ia1; MYASTHENIC SYNDROME, CONGENITAL, 4A, SLOW-CHANNEL, AUTOSOMAL RECESSIVE; Myasthenic syndrome, congenital, 4a, slow-channel. Identifiers: Orphanet 590, MedGen C4225413, MONDO:0011600, OMIM 605809.

gnomAD v4.1: 30 of 1,533,992 alleles (0.002%); highest among the groups gnomAD compares: Non-Finnish European, 0.0026%; no homozygotes.

Submission:

Labcorp Genetics (formerly Invitae), Labcorp
Classification: Uncertain significance for Congenital myasthenic syndrome 4A. Last evaluated: 2022-03-28. Review status: criteria provided, single submitter. Criteria: Invitae Variant Classification Sherloc (09022015). Collection method: clinical testing. Allele origin: germline.
Comment: This sequence change replaces leucine, which is neutral and non-polar, with valine, which is neutral and non-polar, at codon 346 of the CHRNE protein (p.Leu346Val). This variant is not present in population databases (gnomAD no frequency). This variant has not been reported in the literature in individuals affected with CHRNE-related conditions. Advanced modeling of protein sequence and biophysical properties (such as structural, functional, and spatial information, amino acid conservation, physicochemical variation, residue mobility, and thermodynamic stability) performed at Invitae indicates that this missense variant is not expected to disrupt CHRNE protein function. In summary, the available evidence is currently insufficient to determine the role of this variant in disease. Therefore, it has been classified as a Variant of Uncertain Significance.

NM_000080.4(CHRNE):c.1036C>G (p.Leu346Val)

Genes: CHRNE (cholinergic receptor nicotinic epsilon subunit; minus strand), LOC130060041 (ATAC-STARR-seq lymphoblastoid silent region 8050; plus strand). Cytogenetic location: 17p13.2.
Variant type: single nucleotide variant.
Coding change: c.1036C>G on transcript NM_000080.4 (MANE Select); coding-DNA position 1036, C replaced by G.
Protein change: p.Leu346Val; replaces leucine 346 with valine.
Molecular consequence: missense variant.
Genome position (GRCh38, 1-based): chr17:4,899,381, G>C on the plus strand (C>G on the coding strand, the complement: CHRNE is on the minus strand). VCF-style: chr17-4899381-G-C. GRCh37 (hg19) VCF-style: chr17-4802676-G-C.
Other names: short protein forms L346V.
Identifiers: ClinVar variation 1420672 (VCV001420672.5), dbSNP rs1471932042, ClinGen allele CA397300745.